The following is an entry in ClinVar:

ClinVar aggregate classification (germline): Uncertain significance (1 of 4 stars; one submission).

Conditions:
Congenital disorder of deglycosylation (CDDG). Identifiers: MedGen C3808991, MONDO:0031376.

Submission:

Labcorp Genetics (formerly Invitae), Labcorp
Classification: Uncertain significance for Congenital disorder of deglycosylation. Last evaluated: 2024-07-15. Review status: criteria provided, single submitter. Criteria: Invitae Variant Classification Sherloc (09022015). Collection method: clinical testing. Allele origin: germline.
Comment: This sequence change replaces proline, which is neutral and non-polar, with arginine, which is basic and polar, at codon 67 of the NGLY1 protein (p.Pro67Arg). This variant is not present in population databases (gnomAD no frequency). This variant has not been reported in the literature in individuals affected with NGLY1-related conditions. ClinVar contains an entry for this variant (Variation ID: 2106453). Advanced modeling of protein sequence and biophysical properties (such as structural, functional, and spatial information, amino acid conservation, physicochemical variation, residue mobility, and thermodynamic stability) performed at Invitae indicates that this missense variant is expected to disrupt NGLY1 protein function with a positive predictive value of 80%. In summary, the available evidence is currently insufficient to determine the role of this variant in disease. Therefore, it has been classified as a Variant of Uncertain Significance.

NM_018297.4(NGLY1):c.200C>G (p.Pro67Arg)

Gene: NGLY1 (N-glycanase 1; minus strand). Cytogenetic location: 3p24.2.
Variant type: single nucleotide variant.
Coding change: c.200C>G on transcript NM_018297.4 (MANE Select); coding-DNA position 200, C replaced by G.
Protein change: p.Pro67Arg; replaces proline 67 with arginine.
Molecular consequence: missense variant.
Genome position (GRCh38, 1-based): chr3:25,778,620, G>C on the plus strand (C>G on the coding strand, the complement: NGLY1 is on the minus strand). VCF-style: chr3-25778620-G-C. GRCh37 (hg19) VCF-style: chr3-25820111-G-C.
Other names: c.200C>G, p.Pro67Arg (NM_001145293.2, NM_001145295.2); c.74C>G, p.Pro25Arg (NM_001145294.2); short protein forms P25R, P67R.
Identifiers: ClinVar variation 2106453 (VCV002106453.4), dbSNP rs145752045, ClinGen allele CA351911009.